The following is an entry in ClinVar:

NM_004423.4(DVL3):c.1857G>T (p.Arg619=)

Gene: DVL3 (dishevelled segment polarity protein 3; plus strand). Cytogenetic location: 3q27.1.
Variant type: single nucleotide variant.
Coding change: c.1857G>T on transcript NM_004423.4 (MANE Select); coding-DNA position 1857, G replaced by T.
Protein change: p.Arg619=; no amino-acid change (arginine 619 retained).
Molecular consequence: synonymous variant.
Genome position (GRCh38, 1-based): chr3:184,170,461, G>T. VCF-style: chr3-184170461-G-T. GRCh37 (hg19) VCF-style: chr3-183888249-G-T.
Identifiers: ClinVar variation 3038425 (VCV003038425.2), dbSNP rs569284285, ClinGen allele CA2727532.

ClinVar aggregate classification (germline): Likely benign (0 of 4 stars; one submission).

Conditions:
DVL3-related disorder. Also called: DVL3-related condition.

Allele frequency attached by ClinVar (database versions not stated): TOPMed 0.00001; gnomAD 0.00003; 1000 Genomes Project 30x 0.00031; ExAC 0.00035; 1000 Genomes Project 0.00040.
gnomAD v4.1: 127 of 1,584,188 alleles (0.008%); highest among the groups gnomAD compares: South Asian, 0.14%; 1 homozygote.

Submission:

PreventionGenetics, part of Exact Sciences
Classification: Likely benign for DVL3-related condition. Last evaluated: 2022-12-06. Review status: no assertion criteria provided. Collection method: clinical testing. Allele origin: germline.
Comment: This variant is classified as likely benign based on ACMG/AMP sequence variant interpretation guidelines (Richards et al. 2015 PMID: 25741868, with internal and published modifications).